The following is an entry in ClinVar:

ClinVar aggregate classification (germline): Pathogenic (1 of 4 stars; one submission).

Submission:

Labcorp Genetics (formerly Invitae), Labcorp
Classification: Pathogenic. Last evaluated: 2024-02-20. Review status: criteria provided, single submitter. Criteria: Invitae Variant Classification Sherloc (09022015). Collection method: clinical testing. Allele origin: germline.
Comment: This sequence change creates a premature translational stop signal (p.Gly391Alafs*20) in the ATP8B1 gene. It is expected to result in an absent or disrupted protein product. Loss-of-function variants in ATP8B1 are known to be pathogenic (PMID: 15239083, 22525741). This variant is not present in population databases (gnomAD no frequency). This variant has not been reported in the literature in individuals affected with ATP8B1-related conditions. For these reasons, this variant has been classified as Pathogenic.

Literature cited by the submitters: PubMed 15239083; PubMed 22525741.

NM_001374385.1(ATP8B1):c.1172del (p.Gly391fs)

Gene: ATP8B1 (ATPase phospholipid transporting 8B1; minus strand). Cytogenetic location: 18q21.31.
Variant type: Deletion.
Coding change: c.1172del on transcript NM_001374385.1 (MANE Select); coding-DNA position 1172, one base deleted (G; older notation c.1172delG).
Protein change: p.Gly391fs; shifts the reading frame from glycine 391.
Molecular consequence: frameshift variant.
Genome position (GRCh38, 1-based): chr18:57,691,855, C deleted on the plus strand (G on the coding strand, the reverse complement: ATP8B1 is on the minus strand); the first of 4 consecutive C bases (chr18:57,691,855-57,691,858); deleting any one gives the same sequence. VCF-style (leftmost placement, unchanged base first): chr18-57691854-GC-G. GRCh37 (hg19) VCF-style: chr18-55359086-GC-G.
Other names: c.1022del, p.Gly341fs (NM_001374386.1); c.1172del, p.Gly391fs (NM_005603.6); short protein forms G341fs, G391fs.
Identifiers: ClinVar variation 2713995 (VCV002713995.3), dbSNP rs2511757259, ClinGen allele CA2697555549.